The following is an entry in ClinVar:

ClinVar aggregate classification (germline): Likely benign (0 of 4 stars; one submission).

Conditions:
MYCBP2-related disorder. Also called: MYCBP2-related condition.

Allele frequency attached by ClinVar (database versions not stated): ESP Exome Variant Server 0.00069; TOPMed 0.00091; 1000 Genomes Project 0.00120; 1000 Genomes Project 30x 0.00141.
gnomAD v4.1: 287 of 1,613,512 alleles (0.018%); highest among the groups gnomAD compares: African/African-American, 0.32%; 1 homozygote.

Submission:

PreventionGenetics, part of Exact Sciences
Classification: Likely benign for MYCBP2-related condition. Last evaluated: 2023-06-16. Review status: no assertion criteria provided. Collection method: clinical testing. Allele origin: germline.
Comment: This variant is classified as likely benign based on ACMG/AMP sequence variant interpretation guidelines (Richards et al. 2015 PMID: 25741868, with internal and published modifications).

NM_015057.5(MYCBP2):c.11136C>A (p.Gly3712=)

Genes: MYCBP2 (MYC binding protein 2; minus strand), MYCBP2-AS1 (MYCBP2 antisense RNA 1; plus strand). Cytogenetic location: 13q22.3.
Variant type: single nucleotide variant.
Coding change: c.11136C>A on transcript NM_015057.5 (MANE Select); coding-DNA position 11136, C replaced by A.
Protein change: p.Gly3712=; no amino-acid change (glycine 3712 retained).
Molecular consequence: synonymous variant.
Genome position (GRCh38, 1-based): chr13:77,081,894, G>T on the plus strand (C>A on the coding strand, the complement: MYCBP2 is on the minus strand). VCF-style: chr13-77081894-G-T. GRCh37 (hg19) VCF-style: chr13-77656029-G-T.
Identifiers: ClinVar variation 3051181 (VCV003051181.2), dbSNP rs138813052, ClinGen allele CA7008192.